The following is an entry in ClinVar:

NM_004859.4(CLTC):c.3331C>T (p.Leu1111Phe)

Gene: CLTC (clathrin heavy chain; plus strand). Cytogenetic location: 17q23.1.
Variant type: single nucleotide variant.
Coding change: c.3331C>T on transcript NM_004859.4 (MANE Select); coding-DNA position 3331, C replaced by T.
Protein change: p.Leu1111Phe; replaces leucine 1111 with phenylalanine.
Molecular consequence: missense variant.
Genome position (GRCh38, 1-based): chr17:59,681,728, C>T. VCF-style: chr17-59681728-C-T. GRCh37 (hg19) VCF-style: chr17-57759089-C-T.
Other names: c.3343C>T, p.Leu1115Phe (NM_001288653.2); short protein forms L1111F, L1115F.
Identifiers: ClinVar variation 3897117 (VCV003897117.1).

ClinVar aggregate classification (germline): Uncertain significance (1 of 4 stars; one submission).

gnomAD v4.1: 1 of 1,614,062 alleles (0.000062%); highest among the groups gnomAD compares: Non-Finnish European, 0.000085%; no homozygotes.

Submission:

GeneDx
Classification: Uncertain significance. Last evaluated: 2024-11-02. Review status: criteria provided, single submitter. Criteria: GeneDx Variant Classification Process June 2021. Collection method: clinical testing. Allele origin: germline. Affected: yes.
Comment: Not observed at significant frequency in large population cohorts (gnomAD); In silico analysis supports that this missense variant has a deleterious effect on protein structure/function; Has not been previously published as pathogenic or benign to our knowledge